The following is an entry in ClinVar:

NM_032012.4(TMEM245):c.1902G>C (p.Leu634=)

Gene: TMEM245 (transmembrane protein 245; minus strand). Cytogenetic location: 9q31.3.
Variant type: single nucleotide variant.
Coding change: c.1902G>C on transcript NM_032012.4 (MANE Select); coding-DNA position 1902, G replaced by C.
Protein change: p.Leu634=; no amino-acid change (leucine 634 retained).
Molecular consequence: synonymous variant.
Genome position (GRCh38, 1-based): chr9:109,050,645, C>G on the plus strand (G>C on the coding strand, the complement: TMEM245 is on the minus strand). VCF-style: chr9-109050645-C-G. GRCh37 (hg19) VCF-style: chr9-111812925-C-G.
Identifiers: ClinVar variation 2659407 (VCV002659407.24), dbSNP rs201913195, ClinGen allele CA5176665.

ClinVar aggregate classification (germline): Likely benign (1 of 4 stars; one submission).

Allele frequency attached by ClinVar (database versions not stated): ESP Exome Variant Server 0.00024; ExAC 0.00068.
gnomAD v4.1: 489 of 1,613,152 alleles (0.03%); highest among the groups gnomAD compares: Middle Eastern, 0.2%; 1 homozygote.

Submission:

CeGaT Center for Human Genetics Tuebingen
Classification: Likely benign. Last evaluated: 2022-05-01. Review status: criteria provided, single submitter. Criteria: CeGaT Center For Human Genetics Tuebingen Variant Classification Criteria Version 2. Collection method: clinical testing. Allele origin: germline. Affected: yes. Observed: 1 variant allele.
Comment: TMEM245: BP4, BP7